The following is an entry in ClinVar:

NM_019014.6(POLR1B):c.346-7_346-3del

Gene: POLR1B (RNA polymerase I subunit B; plus strand). Cytogenetic location: 2q14.1.
Variant type: Deletion.
Coding change: c.346-7_346-3del on transcript NM_019014.6 (MANE Select); 7 bases into the intron before coding-DNA position 346 through 3 bases into the intron before coding-DNA position 346, 5 bases deleted (CATTT; older notation c.346-7_346-3delCATTT).
Molecular consequence: intron variant.
Genome position (GRCh38, 1-based): chr2:112,547,414-112,547,418, CATTT deleted; deleting any 5 consecutive bases within chr2:112,547,411-112,547,418 gives the same sequence; the c. name uses the placement nearest the transcript's 3' end. VCF-style (leftmost placement, unchanged base first): chr2-112547410-TTTTCA-T. GRCh37 (hg19) VCF-style: chr2-113304987-TTTTCA-T.
Other names: c.460-7_460-3del (NM_001282772.2); c.-72-7_-72-3del (NM_001371970.1, NM_001282777.2, NM_001282779.2); c.346-7_346-3del (NM_001371969.1, NM_001282774.2); c.-155-7_-155-3del (NM_001371971.1); c.178-7_178-3del (NM_001137604.3); c.-8-3452_-8-3448del (NM_001282776.2).
Identifiers: ClinVar variation 4820662 (VCV004820662.4).

ClinVar aggregate classification (germline): Likely benign (1 of 4 stars; one submission).

Submission:

CeGaT Center for Human Genetics Tuebingen
Classification: Likely benign. Last evaluated: 2026-03-01. Review status: criteria provided, single submitter. Criteria: CeGaT Center For Human Genetics Tuebingen Variant Classification Criteria Version 2. Collection method: clinical testing. Allele origin: germline. Affected: yes. Observed: 1 variant allele.
Comment: POLR1B: BP4, BS2